The following is an entry in ClinVar:

ClinVar aggregate classification (germline): Uncertain significance (1 of 4 stars; one submission).

Conditions:
Hereditary cancer-predisposing syndrome. Also called: Tumor predisposition; Neoplastic Syndromes, Hereditary; Hereditary neoplastic syndrome; Hereditary Cancer Syndrome. Identifiers: Orphanet 140162, MedGen C0027672, MeSH D009386, MONDO:0015356.

Submission:

Color Diagnostics, LLC DBA Color Health
Classification: Uncertain significance for Hereditary cancer-predisposing syndrome. Last evaluated: 2023-12-04. Review status: criteria provided, single submitter. Criteria: ACMG Guidelines, 2015. Collection method: clinical testing. Allele origin: germline.
Comment: This missense variant replaces leucine with valine at codon 1956 of the ATM protein. Computational prediction suggests that this variant may not impact protein structure and function (internally defined REVEL score threshold <= 0.5, PMID: 27666373). To our knowledge, functional studies have not been reported for this variant. This variant has not been reported in individuals affected with ATM-related disorders in the literature. This variant has not been identified in the general population by the Genome Aggregation Database (gnomAD). The available evidence is insufficient to determine the role of this variant in disease conclusively. Therefore, this variant is classified as a Variant of Uncertain Significance.

NM_000051.4(ATM):c.5866C>G (p.Leu1956Val)

Genes: ATM (ATM serine/threonine kinase; plus strand), C11orf65 (chromosome 11 open reading frame 65; minus strand). Cytogenetic location: 11q22.3.
Variant type: single nucleotide variant.
Coding change: c.5866C>G on transcript NM_000051.4 (MANE Select); coding-DNA position 5866, C replaced by G.
Protein change: p.Leu1956Val; replaces leucine 1956 with valine.
Molecular consequence: missense variant. On other transcripts: intron variant (2).
Genome position (GRCh38, 1-based): chr11:108,310,263, C>G. VCF-style: chr11-108310263-C-G. GRCh37 (hg19) VCF-style: chr11-108180990-C-G.
Other names: c.5866C>G, p.Leu1956Val (NM_001351834.2); c.641-1192G>C (NM_001330368.2); c.*39-1192G>C (NM_001351110.2); short protein forms L1956V.
Identifiers: ClinVar variation 928017 (VCV000928017.5), dbSNP rs1565489956, ClinGen allele CA382548493.